The following is an entry in ClinVar:

NM_000885.6(ITGA4):c.1582G>C (p.Glu528Gln)

Gene: ITGA4 (integrin subunit alpha 4; plus strand). Cytogenetic location: 2q31.3.
Variant type: single nucleotide variant.
Coding change: c.1582G>C on transcript NM_000885.6 (MANE Select); coding-DNA position 1582, G replaced by C.
Protein change: p.Glu528Gln; replaces glutamic acid 528 with glutamine.
Molecular consequence: missense variant.
Genome position (GRCh38, 1-based): chr2:181,498,664, G>C. VCF-style: chr2-181498664-G-C. GRCh37 (hg19) VCF-style: chr2-182363391-G-C.
Other names: c.1582G>C (NM_000885.5); short protein forms E528Q.
Identifiers: ClinVar variation 2651733 (VCV002651733.25), dbSNP rs200957447, ClinGen allele CA2009681.

ClinVar aggregate classification (germline): Likely benign. Review status: criteria provided, single submitter (1 of 4 stars). 2 submissions from 2 submitters: Likely benign (1). 1 of the submissions does not count toward it. Last evaluated 2022-11-01.

Conditions:
ITGA4-related disorder. Also called: ITGA4-related condition.

Allele frequency attached by ClinVar (database versions not stated): gnomAD exomes 0.00020; ExAC 0.00026; TOPMed 0.00030; gnomAD 0.00031.
gnomAD v4.1: 367 of 1,611,918 alleles (0.023%); highest among the groups gnomAD compares: Middle Eastern, 0.033%; 1 homozygote.

Submissions (2):

CeGaT Center for Human Genetics Tuebingen
Classification: Likely benign. Last evaluated: 2022-11-01. Review status: criteria provided, single submitter. Criteria: CeGaT Center For Human Genetics Tuebingen Variant Classification Criteria Version 2. Collection method: clinical testing. Allele origin: germline. Affected: yes. Observed: 1 variant allele.
Comment: ITGA4: BP4

PreventionGenetics, part of Exact Sciences
Classification: Benign for ITGA4-related condition. Last evaluated: 2022-04-01. Review status: no assertion criteria provided. Collection method: clinical testing. Allele origin: germline. Not counted in ClinVar's aggregate classification.
Comment: This variant is classified as benign based on ACMG/AMP sequence variant interpretation guidelines (Richards et al. 2015 PMID: 25741868, with internal and published modifications).